The following is an entry in ClinVar:

NM_152743.4(BRAT1):c.1141C>T (p.Arg381Cys)

Gene: BRAT1 (BRCA1 associated ATM activator 1; minus strand). Cytogenetic location: 7p22.3.
Variant type: single nucleotide variant.
Coding change: c.1141C>T on transcript NM_152743.4 (MANE Select); coding-DNA position 1141, C replaced by T.
Protein change: p.Arg381Cys; replaces arginine 381 with cysteine.
Molecular consequence: missense variant. On other transcripts: non-coding transcript variant (1).
Genome position (GRCh38, 1-based): chr7:2,541,478, G>A on the plus strand (C>T on the coding strand, the complement: BRAT1 is on the minus strand). VCF-style: chr7-2541478-G-A. GRCh37 (hg19) VCF-style: chr7-2581112-G-A.
Other names: c.1141C>T, p.Arg381Cys (NM_001350626.2); c.616C>T, p.Arg206Cys (NM_001350627.2); short protein forms R206C, R381C.
Identifiers: ClinVar variation 1516627 (VCV001516627.4), dbSNP rs544023351, ClinGen allele CA4127898.

ClinVar aggregate classification (germline): Conflicting classifications of pathogenicity. Review status: criteria provided, conflicting classifications (1 of 4 stars). 2 submissions from 2 submitters: Uncertain significance (1); Likely benign (1). Last evaluated 2022-06-15.

Conditions:
Neonatal-onset encephalopathy with rigidity and seizures. Also called: Lethal neonatal spasticity-epileptic encephalopathy syndrome. Identifiers: Orphanet 435845, MedGen C3281029, MONDO:0013784, OMIM 614498.

Allele frequency attached by ClinVar (database versions not stated): TOPMed below 0.00001; gnomAD 0.00001 and 0.00003; gnomAD exomes 0.00004 and 0.00010; 1000 Genomes Project 30x 0.00016; 1000 Genomes Project 0.00020; ExAC 0.00029.
gnomAD v4.1: 58 of 1,536,488 alleles (0.0038%); highest among the groups gnomAD compares: South Asian, 0.06%; 1 homozygote.

Submissions (2):

Blueprint Genetics
Classification: Likely benign. Last evaluated: 2022-06-15. Review status: criteria provided, single submitter. Criteria: ACMG Guidelines, 2015. Collection method: clinical testing. Allele origin: germline.

Labcorp Genetics (formerly Invitae), Labcorp
Classification: Uncertain significance for Neonatal-onset encephalopathy with rigidity and seizures. Last evaluated: 2021-09-24. Review status: criteria provided, single submitter. Criteria: Invitae Variant Classification Sherloc (09022015). Collection method: clinical testing. Allele origin: germline.
Comment: This sequence change replaces arginine with cysteine at codon 381 of the BRAT1 protein (p.Arg381Cys). The arginine residue is moderately conserved and there is a large physicochemical difference between arginine and cysteine. While this variant is present in population databases (rs544023351), the frequency information is unreliable, as metrics indicate poor data quality at this position in the ExAC database. This variant has not been reported in the literature in individuals affected with BRAT1-related conditions. Algorithms developed to predict the effect of missense changes on protein structure and function output the following: SIFT: "Tolerated"; PolyPhen-2: "Benign"; Align-GVGD: "Class C0". The cysteine amino acid residue is found in multiple mammalian species, which suggests that this missense change does not adversely affect protein function. In summary, the available evidence is currently insufficient to determine the role of this variant in disease. Therefore, it has been classified as a Variant of Uncertain Significance.